The following is an entry in ClinVar:

NM_005120.3(MED12):c.6044+16G>C

Gene: MED12 (mediator complex subunit 12; plus strand). Cytogenetic location: Xq13.1.
Variant type: single nucleotide variant.
Coding change: c.6044+16G>C on transcript NM_005120.3 (MANE Select); 16 bases into the intron after coding-DNA position 6044, G replaced by C.
Molecular consequence: intron variant.
Genome position (GRCh38, 1-based): chrX:71,137,959, G>C. VCF-style: chrX-71137959-G-C. GRCh37 (hg19) VCF-style: chrX-70357809-G-C.
Identifiers: ClinVar variation 388068 (VCV000388068.12), dbSNP rs367904425, ClinGen allele CA10444861.

ClinVar aggregate classification (germline): Likely benign. Review status: criteria provided, multiple submitters, no conflicts (2 of 4 stars). 2 submissions from 2 submitters: Likely benign (2). Last evaluated 2025-12-22.

Conditions:
FG syndrome (FGS). Identifiers: MedGen C0220769, MONDO:0002010.

Allele frequency attached by ClinVar (database versions not stated): gnomAD 0.00001 and 0.00002; ExAC 0.00002; gnomAD exomes 0.00002; TOPMed 0.00003; ESP Exome Variant Server 0.00010.
gnomAD v4.1: 21 of 1,197,733 alleles (0.0018%); highest among the groups gnomAD compares: Non-Finnish European, 0.0023%; no homozygotes.

Submissions (2):

Labcorp Genetics (formerly Invitae), Labcorp
Classification: Likely benign for FG syndrome. Last evaluated: 2025-12-22. Review status: criteria provided, single submitter. Criteria: Invitae Variant Classification Sherloc (09022015). Collection method: clinical testing. Allele origin: germline.

GeneDx
Classification: Likely benign. Last evaluated: 2016-07-25. Review status: criteria provided, single submitter. Criteria: GeneDx Variant Classification (06012015). Collection method: clinical testing. Allele origin: germline. Affected: yes.
Comment: This variant is considered likely benign or benign based on one or more of the following criteria: it is a conservative change, it occurs at a poorly conserved position in the protein, it is predicted to be benign by multiple in silico algorithms, and/or has population frequency not consistent with disease.